The following is an entry in ClinVar:

ClinVar aggregate classification (germline): Benign. Review status: criteria provided, multiple submitters, no conflicts (2 of 4 stars). 3 submissions from 3 submitters: Benign (2). 1 of the submissions does not count toward it. Last evaluated 2019-12-31.

Conditions:
PDZD2-related disorder. Also called: PDZD2-related condition.

Allele frequency attached by ClinVar (database versions not stated): ESP Exome Variant Server 0.00038; gnomAD 0.00423 and 0.00431; 1000 Genomes Project 0.00559; 1000 Genomes Project 30x 0.00578; TOPMed 0.00809; ExAC 0.00899; gnomAD exomes 0.01177.
gnomAD v4.1: 4,448 of 1,613,778 alleles (0.28%); highest among the groups gnomAD compares: Admixed American, 6.7%; 189 homozygotes.

Submissions (3):

Labcorp Genetics (formerly Invitae), Labcorp
Classification: Benign. Last evaluated: 2019-12-31. Review status: criteria provided, single submitter. Criteria: Invitae Variant Classification Sherloc (09022015). Collection method: clinical testing. Allele origin: germline.

Breakthrough Genomics
Classification: Benign. Review status: criteria provided, single submitter. Criteria: ACMG Guidelines, 2015. Collection method: not provided. Allele origin: germline. Inheritance: Unknown mechanism. Affected: yes.

PreventionGenetics, part of Exact Sciences
Classification: Benign for PDZD2-related condition. Last evaluated: 2019-06-13. Review status: no assertion criteria provided. Collection method: clinical testing. Allele origin: germline. Not counted in ClinVar's aggregate classification.
Comment: This variant is classified as benign based on ACMG/AMP sequence variant interpretation guidelines (Richards et al. 2015 PMID: 25741868, with internal and published modifications).

NM_178140.4(PDZD2):c.7106T>C (p.Ile2369Thr)

Gene: PDZD2 (PDZ domain containing 2; plus strand). Cytogenetic location: 5p13.3.
Variant type: single nucleotide variant.
Coding change: c.7106T>C on transcript NM_178140.4 (MANE Select); coding-DNA position 7106, T replaced by C.
Protein change: p.Ile2369Thr; replaces isoleucine 2369 with threonine.
Molecular consequence: missense variant.
Genome position (GRCh38, 1-based): chr5:32,090,554, T>C. VCF-style: chr5-32090554-T-C. GRCh37 (hg19) VCF-style: chr5-32090660-T-C.
Other names: short protein forms I2369T.
Identifiers: ClinVar variation 791442 (VCV000791442.7), dbSNP rs143439364, ClinGen allele CA3220258.